The following is an entry in ClinVar:

NM_015338.6(ASXL1):c.2071C>G (p.Leu691Val)

Gene: ASXL1 (ASXL transcriptional regulator 1; plus strand). Cytogenetic location: 20q11.21.
Variant type: single nucleotide variant.
Coding change: c.2071C>G on transcript NM_015338.6 (MANE Select); coding-DNA position 2071, C replaced by G.
Protein change: p.Leu691Val; replaces leucine 691 with valine.
Molecular consequence: missense variant.
Genome position (GRCh38, 1-based): chr20:32,434,783, C>G. VCF-style: chr20-32434783-C-G. GRCh37 (hg19) VCF-style: chr20-31022586-C-G.
Other names: c.1888C>G, p.Leu630Val (NM_001363734.1); short protein forms L630V, L691V.
Identifiers: ClinVar variation 4825190 (VCV004825190.1).
Genomic context (GRCh38, chr20:32,434,783, plus strand): 5'-GCCTGTGGCCACCCTGAGCCCAGGGGAGGCCCGAGCACCCCTGGAAAGTGTACGTCAGAT[C>G]TACAGCGAACACAACTACTGCCGCCTTATCCTCTAAATGGGGAGCATACCCAGGCCGGAA-3'
Protein context (NP_056153.2, residues 681-701): PSTPGKCTSD[Leu691Val]QRTQLLPPYP

ClinVar aggregate classification (germline): Uncertain significance (1 of 4 stars; one submission).

Conditions:
Inborn genetic diseases. Identifiers: MedGen C0950123, MeSH D030342.

Submission:

Ambry Genetics
Classification: Uncertain significance for Inborn genetic diseases. Last evaluated: 2026-01-19. Review status: criteria provided, single submitter. Criteria: Ambry Variant Classification Scheme 2023. Collection method: clinical testing. Allele origin: germline.
Comment: The p.L691V variant (also known as c.2071C>G), located in coding exon 13 of the ASXL1 gene, results from a C to G substitution at nucleotide position 2071. The leucine at codon 691 is replaced by valine, an amino acid with highly similar properties. This amino acid position is conserved. In addition, this alteration is predicted to be tolerated by in silico analysis. Based on the available evidence, the clinical significance of this variant remains unclear.